The following is an entry in ClinVar:

NM_001256071.3(RNF213):c.12353C>T (p.Ser4118Phe)

Genes: RNF213 (ring finger protein 213; plus strand), RNF213-AS1 (RNF213 antisense RNA 1; minus strand). Cytogenetic location: 17q25.3.
Variant type: single nucleotide variant.
Coding change: c.12353C>T on transcript NM_001256071.3 (MANE Select); coding-DNA position 12353, C replaced by T.
Protein change: p.Ser4118Phe; replaces serine 4118 with phenylalanine.
Molecular consequence: missense variant.
Genome position (GRCh38, 1-based): chr17:80,369,795, C>T. VCF-style: chr17-80369795-C-T. GRCh37 (hg19) VCF-style: chr17-78343595-C-T.
Other names: short protein forms S4118F.
Identifiers: ClinVar variation 870408 (VCV000870408.3), dbSNP rs2079443410, ClinGen allele CA401409800.

ClinVar aggregate classification (germline): Pathogenic (1 of 4 stars; one submission).

Conditions:
Moyamoya disease 2 (MYMY2). Also called: MOYAMOYA DISEASE 2, SUSCEPTIBILITY TO. Identifiers: Orphanet 2573, MedGen C1846689, MONDO:0011784, OMIM 607151.

Allele frequency attached by ClinVar (database versions not stated): TOPMed below 0.00001.

Submission:

Victorian Clinical Genetics Services, Murdoch Childrens Research Institute
Classification: Pathogenic for Moyamoya disease 2. Last evaluated: 2021-05-06. Review status: criteria provided, single submitter. Criteria: ACMG Guidelines, 2015. Collection method: clinical testing. Allele origin: germline. Affected: yes.
Comment: Based on the classification scheme VCGS_Germline_v1.3.4, this variant is classified as Pathogenic. Following criteria are met: 0105 - The mechanism of disease for this gene is not clearly established. (I) 0108- This gene is associated with susceptibility to moyamoya disease, with both recessive and dominant inheritance patterns reported, where recessive inheritance has earlier onset of symptoms (PMID: 26198278). (I) 0112 - The condition associated with this gene has incomplete penetrance. (I) 0200 - Variant is predicted to result in a missense amino acid change from serine to phenylalanine. (I) 0251 - This variant is heterozygous. (I) 0301 - Variant is absent from gnomAD (both v2 and v3). (SP) 0501 - Missense variant consistently predicted to be damaging by multiple in silico tools or highly conserved with a major amino acid change. (SP) 0604 - Variant is not located in an established domain, motif, hotspot or informative constraint region. (I) 0705 - No comparable missense variants have previous evidence for pathogenicity. (I) 0802 - This variant has moderate previous evidence of pathogenicity in unrelated individuals. This variant has been reported as de novo in a patient with Moyamoya disease (PMID: 26198278). (SP) 0905 - No published segregation evidence has been identified for this variant. (I) 1007 - No published functional evidence has been identified for this variant. (SP) Legend: (SP) - Supporting pathogenic, (I) - Information, (SB) - Supporting benign

Literature cited by the submitters: PubMed 26198278.